The following is an entry in ClinVar:

ClinVar aggregate classification (germline): Uncertain significance (1 of 4 stars; one submission).

Conditions:
FTL-related disorder. Also called: FTL-related condition.

gnomAD v4.1: 3 of 1,614,098 alleles (0.00019%); highest among the groups gnomAD compares: South Asian, 0.0011%; no homozygotes.

Submission:

PreventionGenetics, part of Exact Sciences
Classification: Uncertain significance for FTL-related condition. Last evaluated: 2025-01-02. Review status: criteria provided, single submitter. Criteria: ACMG Guidelines, 2015. Collection method: clinical testing. Allele origin: germline.
Comment: The FTL c.280C>A variant is predicted to result in the amino acid substitution p.Pro94Thr. To our knowledge, this variant has not been reported in the literature. This variant is reported in 0.0033% of alleles in individuals of South Asian descent in gnomAD. At this time, the clinical significance of this variant is uncertain due to the absence of conclusive functional and genetic evidence.

NM_000146.4(FTL):c.280C>A (p.Pro94Thr)

Gene: FTL (ferritin light chain; plus strand). Cytogenetic location: 19q13.33.
Variant type: single nucleotide variant.
Coding change: c.280C>A on transcript NM_000146.4 (MANE Select); coding-DNA position 280, C replaced by A.
Protein change: p.Pro94Thr; replaces proline 94 with threonine.
Molecular consequence: missense variant.
Genome position (GRCh38, 1-based): chr19:48,966,311, C>A. VCF-style: chr19-48966311-C-A. GRCh37 (hg19) VCF-style: chr19-49469568-C-A.
Other names: short protein forms P94T.
Identifiers: ClinVar variation 4988049 (VCV004988049.1).